The following is an entry in ClinVar:

ClinVar aggregate classification (germline): Uncertain significance. Review status: criteria provided, multiple submitters, no conflicts (2 of 4 stars). 2 submissions from 2 submitters: Uncertain significance (2). Last evaluated 2025-10-14.

Conditions:
RASopathy. Also called: rasopathies; Noonan spectrum disorder. Identifiers: Orphanet 536391, MedGen C5555857, MONDO:0021060.
Cardiovascular phenotype. Identifiers: MedGen CN230736.

Allele frequency attached by ClinVar (database versions not stated): TOPMed below 0.00001; ExAC 0.00001; gnomAD 0.00001; gnomAD exomes 0.00001.

Submissions (2):

Ambry Genetics
Classification: Uncertain significance for Cardiovascular phenotype. Last evaluated: 2025-10-14. Review status: criteria provided, single submitter. Criteria: Ambry Variant Classification Scheme 2023. Collection method: clinical testing. Allele origin: germline.
Comment: The p.D727G variant (also known as c.2180A>G), located in coding exon 14 of the CBL gene, results from an A to G substitution at nucleotide position 2180. The aspartic acid at codon 727 is replaced by glycine, an amino acid with similar properties. This amino acid position is conserved. In addition, the in silico prediction for this alteration is inconclusive. Since supporting evidence is limited at this time, the clinical significance of this alteration remains unclear.

Labcorp Genetics (formerly Invitae), Labcorp
Classification: Uncertain significance for RASopathy. Last evaluated: 2024-01-06. Review status: criteria provided, single submitter. Criteria: Invitae Variant Classification Sherloc (09022015). Collection method: clinical testing. Allele origin: germline.
Comment: This sequence change replaces aspartic acid, which is acidic and polar, with glycine, which is neutral and non-polar, at codon 727 of the CBL protein (p.Asp727Gly). This variant is present in population databases (rs771675288, gnomAD 0.002%). This variant has not been reported in the literature in individuals affected with CBL-related conditions. ClinVar contains an entry for this variant (Variation ID: 1787258). Advanced modeling of protein sequence and biophysical properties (such as structural, functional, and spatial information, amino acid conservation, physicochemical variation, residue mobility, and thermodynamic stability) performed at Invitae indicates that this missense variant is not expected to disrupt CBL protein function with a negative predictive value of 95%. In summary, the available evidence is currently insufficient to determine the role of this variant in disease. Therefore, it has been classified as a Variant of Uncertain Significance.

NM_005188.4(CBL):c.2180A>G (p.Asp727Gly)

Gene: CBL (Cbl proto-oncogene; plus strand). Cytogenetic location: 11q23.3.
Variant type: single nucleotide variant.
Coding change: c.2180A>G on transcript NM_005188.4 (MANE Select); coding-DNA position 2180, A replaced by G.
Protein change: p.Asp727Gly; replaces aspartic acid 727 with glycine.
Molecular consequence: missense variant.
Genome position (GRCh38, 1-based): chr11:119,297,410, A>G. VCF-style: chr11-119297410-A-G. GRCh37 (hg19) VCF-style: chr11-119168120-A-G.
Other names: short protein forms D727G.
Identifiers: ClinVar variation 1787258 (VCV001787258.8), dbSNP rs771675288, ClinGen allele CA6318707.